The following is an entry in ClinVar:

NM_000038.6(APC):c.16T>C (p.Tyr6His)

Gene: APC (APC regulator of Wnt signaling pathway; plus strand). Cytogenetic location: 5q22.2.
Variant type: single nucleotide variant.
Coding change: c.16T>C on transcript NM_000038.6 (MANE Select); coding-DNA position 16, T replaced by C.
Protein change: p.Tyr6His; replaces tyrosine 6 with histidine.
Molecular consequence: missense variant. On other transcripts: 5 prime UTR variant (4), non-coding transcript variant (2), intron variant (11).
Genome position (GRCh38, 1-based): chr5:112,754,906, T>C. VCF-style: chr5-112754906-T-C. GRCh37 (hg19) VCF-style: chr5-112090603-T-C.
Other names: c.16T>C, p.Tyr6His (NM_001127510.3, NM_001354895.2, NM_001354896.2 and 16 more transcripts); c.-1020T>C (NM_001354906.2, NM_001407470.1, NM_001407471.1 and 1 more transcripts); c.166-11420T>C (NM_001407446.1, NM_001354897.2, NM_001354902.2 and 1 more transcripts); c.-42-11420T>C (NM_001407453.1, NM_001354900.2, NM_001354901.2 and 1 more transcripts); c.61-11420T>C (NM_001407451.1, NM_001354898.2, NM_001354904.2); short protein forms Y6H.
Identifiers: ClinVar variation 2775129 (VCV002775129.5), dbSNP rs2149737356, ClinGen allele CA16021366.
Genomic context (GRCh38, chr5:112,754,906, plus strand): 5'-ATTTCAAAATCCTTTTTAACCTTATAGGTCCAAGGGTAGCCAAGGATGGCTGCAGCTTCA[T>C]ATGATCAGTTGTTAAAGCAAGTTGAGGCACTGAAGATGGAGAACTCAAATCTTCGACAAG-3'
Protein context (NP_000029.2, residues 1-16): MAAAS[Tyr6His]DQLLKQVEAL

ClinVar aggregate classification (germline): Uncertain significance. Review status: criteria provided, multiple submitters, no conflicts (2 of 4 stars). 2 submissions from 2 submitters: Uncertain significance (2). Last evaluated 2025-10-02.

Conditions:
Familial adenomatous polyposis 1 (FAP1). Also called: FAMILIAL ADENOMATOUS POLYPOSIS 1, ATTENUATED; POLYPOSIS, ADENOMATOUS INTESTINAL. Identifiers: MedGen C2713442, MONDO:0021056, OMIM 175100. Disease mechanism: loss of function.
Hereditary cancer-predisposing syndrome. Also called: Neoplastic Syndromes, Hereditary; Tumor predisposition; Hereditary Cancer Syndrome; Hereditary neoplastic syndrome. Identifiers: Orphanet 140162, MedGen C0027672, MeSH D009386, MONDO:0015356.

Submissions (2):

Labcorp Genetics (formerly Invitae), Labcorp
Classification: Uncertain significance for Familial adenomatous polyposis 1. Last evaluated: 2025-10-02. Review status: criteria provided, single submitter. Criteria: Invitae Variant Classification Sherloc (09022015). Collection method: clinical testing. Allele origin: germline.
Comment: This sequence change replaces tyrosine, which is neutral and polar, with histidine, which is basic and polar, at codon 6 of the APC protein (p.Tyr6His). This variant is not present in population databases (gnomAD no frequency). This variant has not been reported in the literature in individuals affected with APC-related conditions. ClinVar contains an entry for this variant (Variation ID: 2775129). Invitae Evidence Modeling of protein sequence and biophysical properties (such as structural, functional, and spatial information, amino acid conservation, physicochemical variation, residue mobility, and thermodynamic stability) indicates that this missense variant is not expected to disrupt APC protein function with a negative predictive value of 95%. In summary, the available evidence is currently insufficient to determine the role of this variant in disease. Therefore, it has been classified as a Variant of Uncertain Significance.

Color Diagnostics, LLC DBA Color Health
Classification: Uncertain significance for Hereditary cancer-predisposing syndrome. Last evaluated: 2022-08-08. Review status: criteria provided, single submitter. Criteria: ACMG Guidelines, 2015. Collection method: clinical testing. Allele origin: germline.
Comment: This missense variant replaces tyrosine with histidine at codon 6 of the APC protein. Computational prediction suggests that this variant may not impact protein structure and function (internally defined REVEL score threshold <= 0.5, PMID: 27666373). To our knowledge, functional studies have not been reported for this variant. This variant has not been reported in individuals affected with hereditary cancer in the literature. This variant has not been identified in the general population by the Genome Aggregation Database (gnomAD). The available evidence is insufficient to determine the role of this variant in disease conclusively. Therefore, this variant is classified as a Variant of Uncertain Significance.